The following is an entry in ClinVar:

NM_007294.4(BRCA1):c.5332+3A>C

Gene: BRCA1 (BRCA1 DNA repair associated; minus strand). Cytogenetic location: 17q21.31.
Variant type: single nucleotide variant.
Coding change: c.5332+3A>C on transcript NM_007294.4 (MANE Select); 3 bases into the intron after coding-DNA position 5332, A replaced by C.
Molecular consequence: intron variant.
Genome position (GRCh38, 1-based): chr17:43,051,060, T>G on the plus strand (A>C on the coding strand, the complement: BRCA1 is on the minus strand). VCF-style: chr17-43051060-T-G. GRCh37 (hg19) VCF-style: chr17-41203077-T-G.
Other names: c.1900+3A>C (NM_001408430.1, NM_001408427.1, NM_001408431.1 and 4 more transcripts); c.5203+3A>C (NM_001407682.1, NM_001407689.1, NM_001407681.1 and 6 more transcripts); c.5206+3A>C (NM_001407676.1, NM_001407679.1, NM_001407670.1 and 10 more transcripts); c.5128+3A>C (NM_001407863.1); c.5209+3A>C (NM_001407938.1, NM_001407667.1, NM_001407668.1 and 5 more transcripts); c.1903+3A>C (NM_001408423.1, NM_001408421.1, NM_001408424.1 and 1 more transcripts); c.1906+3A>C (NM_001408420.1, NM_001408419.1, NM_001408418.1); c.2017+3A>C (NM_001408404.1, NM_001408402.1, NM_001408473.1 and 8 more transcripts); and 74 more.
Identifiers: ClinVar variation 868308 (VCV000868308.5), dbSNP rs766614917, ClinGen allele CA916081026.

ClinVar aggregate classification (germline): Pathogenic (1 of 4 stars; one submission).

Conditions:
Hereditary cancer-predisposing syndrome. Also called: Neoplastic Syndromes, Hereditary; Tumor predisposition; Hereditary Cancer Syndrome; Hereditary neoplastic syndrome. Identifiers: Orphanet 140162, MedGen C0027672, MeSH D009386, MONDO:0015356.

Submissions (2):

Ambry Genetics
Classification: Pathogenic for Hereditary cancer-predisposing syndrome. Last evaluated: 2025-09-09. Review status: criteria provided, single submitter. Criteria: Ambry Variant Classification Scheme 2023. Collection method: clinical testing. Allele origin: germline.
Comment: The c.5332+3A>C intronic pathogenic mutation results from an A to C substitution 3 nucleotides after coding exon 19 in the BRCA1 gene. This nucleotide position is well conserved in available vertebrate species. One functional study found that this nucleotide substitution is non-functional in a high throughput genome editing haploid cell survival assay (Findlay GM et al. Nature, 2018 Oct;562:217-222). In silico splice site analysis predicts that this alteration may weaken the native splice donor site. RNA studies have demonstrated that this alteration results in abnormal splicing in the set of samples tested (Ambry internal data). This variant is considered to be rare based on population cohorts in the Genome Aggregation Database (gnomAD). Based on the supporting evidence, this variant is interpreted as a disease-causing mutation.

Brotman Baty Institute, University of Washington
No classification provided (evidence only). Condition: Breast-ovarian cancer, familial 1. Review status: no classification provided. Collection method: in vitro. Allele origin: not applicable. Functional consequence: functionally_abnormal. Not counted in ClinVar's aggregate classification.
ClinVar note: "not provided" was previously submitted as the classification for the variant. However, the classification appeared to be based only on an observation of functional data so it was converted to no classification on 2025-07-30.

Literature cited by the submitters: PubMed 30209399 (cited by Ambry Genetics).